The following is an entry in ClinVar:

NM_001330239.4(TJP1):c.1412A>G (p.Asn471Ser)

Gene: TJP1 (tight junction protein 1; minus strand). Cytogenetic location: 15q13.1.
Variant type: single nucleotide variant.
Coding change: c.1412A>G on transcript NM_001330239.4 (MANE Select); coding-DNA position 1412, A replaced by G.
Protein change: p.Asn471Ser; replaces asparagine 471 with serine.
Molecular consequence: missense variant.
Genome position (GRCh38, 1-based): chr15:29,734,378, T>C on the plus strand (A>G on the coding strand, the complement: TJP1 is on the minus strand). VCF-style: chr15-29734378-T-C. GRCh37 (hg19) VCF-style: chr15-30026582-T-C.
Other names: NC_000015.9:g.30026582T>C; c.1691A>G, p.Asn564Ser (NM_001301025.3, NM_001355012.2); c.1424A>G, p.Asn475Ser (NM_001301026.2, NM_001355013.1); c.1412A>G, p.Asn471Ser (NM_001355014.2, NM_001355015.2, NM_003257.5 and 1 more transcripts); c.1691A>G (NM_001355012.1); short protein forms N471S, N475S, N564S.
Identifiers: ClinVar variation 771470 (VCV000771470.7), dbSNP rs2229517, ClinGen allele CA7447253.

ClinVar aggregate classification (germline): Benign. Review status: criteria provided, multiple submitters, no conflicts (2 of 4 stars). 3 submissions from 3 submitters: Benign (2). 1 of the submissions does not count toward it. Last evaluated 2018-07-21.

Conditions:
TJP1-related disorder. Also called: TJP1-related condition.

Allele frequency attached by ClinVar (database versions not stated): 1000 Genomes Project 0.00479; TOPMed 0.00904; ExAC 0.00916; ESP Exome Variant Server 0.00975; gnomAD exomes 0.01174 and 0.00910; 1000 Genomes Project 30x 0.00500; gnomAD 0.00881 and 0.00906.
gnomAD v4.1: 18,297 of 1,602,970 alleles (1.1%); highest among the groups gnomAD compares: Non-Finnish European, 1.4%; 110 homozygotes.

Submissions (4):

Labcorp Genetics (formerly Invitae), Labcorp
Classification: Benign. Last evaluated: 2018-07-21. Review status: criteria provided, single submitter. Criteria: Invitae Variant Classification Sherloc (09022015). Collection method: clinical testing. Allele origin: germline.

Breakthrough Genomics
Classification: Benign. Review status: criteria provided, single submitter. Criteria: ACMG Guidelines, 2015. Collection method: not provided. Allele origin: germline. Inheritance: Unknown mechanism. Affected: yes.

PreventionGenetics, part of Exact Sciences
Classification: Benign for TJP1-related condition. Last evaluated: 2019-03-01. Review status: no assertion criteria provided. Collection method: clinical testing. Allele origin: germline. Not counted in ClinVar's aggregate classification.
Comment: This variant is classified as benign based on ACMG/AMP sequence variant interpretation guidelines (Richards et al. 2015 PMID: 25741868, with internal and published modifications).

Dr. Peter K. Rogan Lab, Western University
No classification provided (evidence only). Condition: Thymoma. Review status: no classification provided. Collection method: in vitro. Allele origin: not applicable. Functional consequence: retained intron. Not counted in ClinVar's aggregate classification.